The following is an entry in ClinVar:

ClinVar aggregate classification (germline): Pathogenic (1 of 4 stars; one submission).

Submission:

Labcorp Genetics (formerly Invitae), Labcorp
Classification: Pathogenic. Last evaluated: 2023-12-10. Review status: criteria provided, single submitter. Criteria: Invitae Variant Classification Sherloc (09022015). Collection method: clinical testing. Allele origin: germline.
Comment: This sequence change creates a premature translational stop signal (p.Arg1331Thrfs*26) in the ABCA3 gene. It is expected to result in an absent or disrupted protein product. Loss-of-function variants in ABCA3 are known to be pathogenic (PMID: 27516224). This variant is not present in population databases (gnomAD no frequency). This premature translational stop signal has been observed in individual(s) with surfactant deficiency (PMID: 24871971). For these reasons, this variant has been classified as Pathogenic.

Literature cited by the submitters: PubMed 27516224; PubMed 24871971.

NM_001089.3(ABCA3):c.3992_3993del (p.Arg1331fs)

Gene: ABCA3 (ATP binding cassette subfamily A member 3; minus strand). Cytogenetic location: 16p13.3.
Variant type: Microsatellite.
Coding change: c.3992_3993del on transcript NM_001089.3 (MANE Select); coding-DNA positions 3992 to 3993, 2 bases deleted (GA; older notation c.3992_3993delGA).
Protein change: p.Arg1331fs; shifts the reading frame from arginine 1331.
Molecular consequence: frameshift variant.
Genome position (GRCh38, 1-based): chr16:2,283,228-2,283,229, TC deleted on the plus strand (GA on the coding strand, the reverse complement: ABCA3 is on the minus strand); deleting any 2 consecutive bases within chr16:2,283,228-2,283,232 gives the same sequence; the c. name uses the placement nearest the transcript's 3' end. VCF-style (leftmost placement, unchanged base first): chr16-2283227-GTC-G. GRCh37 (hg19) VCF-style: chr16-2333228-GTC-G.
Other names: short protein forms R1331fs.
Identifiers: ClinVar variation 2910395 (VCV002910395.3), dbSNP rs2093657780, ClinGen allele CA973785033.